The following is an entry in ClinVar:

NM_022787.4(NMNAT1):c.213A>C (p.Glu71Asp)

Gene: NMNAT1 (nicotinamide nucleotide adenylyltransferase 1; plus strand). Cytogenetic location: 1p36.22.
Variant type: single nucleotide variant.
Coding change: c.213A>C on transcript NM_022787.4 (MANE Select); coding-DNA position 213, A replaced by C.
Protein change: p.Glu71Asp; replaces glutamic acid 71 with aspartic acid.
Molecular consequence: missense variant.
Genome position (GRCh38, 1-based): chr1:9,975,689, A>C. VCF-style: chr1-9975689-A-C. GRCh37 (hg19) VCF-style: chr1-10035747-A-C.
Other names: c.213A>C, p.Glu71Asp (NM_001297778.1, NM_001297779.2); short protein forms E71D.
Identifiers: ClinVar variation 1374446 (VCV001374446.8), dbSNP rs201020918, ClinGen allele CA579183.

ClinVar aggregate classification (germline): Uncertain significance. Review status: criteria provided, multiple submitters, no conflicts (2 of 4 stars). 2 submissions from 2 submitters: Uncertain significance (2). Last evaluated 2023-04-13.

Conditions:
Leber congenital amaurosis 9 (LCA9). Also called: LCA9 Leber Congenital Amaurosis; LCA 9; Amaurosis congenita of Leber, type 9. Identifiers: Orphanet 65, MedGen C1837873, MONDO:0012056, OMIM 608553.

Allele frequency attached by ClinVar (database versions not stated): gnomAD exomes 0.00001 and 0.00004; ExAC 0.00002; TOPMed 0.00003; gnomAD 0.00004 and 0.00005; ESP Exome Variant Server 0.00015; 1000 Genomes Project 30x 0.00016; 1000 Genomes Project 0.00020.
gnomAD v4.1: 65 of 1,614,134 alleles (0.004%); highest among the groups gnomAD compares: Non-Finnish European, 0.0053%; no homozygotes.

Submissions (2):

Labcorp Genetics (formerly Invitae), Labcorp
Classification: Uncertain significance for Leber congenital amaurosis 9. Last evaluated: 2023-04-13. Review status: criteria provided, single submitter. Criteria: Invitae Variant Classification Sherloc (09022015). Collection method: clinical testing. Allele origin: germline.
Comment: This variant has not been reported in the literature in individuals affected with NMNAT1-related conditions. In summary, the available evidence is currently insufficient to determine the role of this variant in disease. Therefore, it has been classified as a Variant of Uncertain Significance. Advanced modeling of protein sequence and biophysical properties (such as structural, functional, and spatial information, amino acid conservation, physicochemical variation, residue mobility, and thermodynamic stability) performed at Invitae indicates that this missense variant is not expected to disrupt NMNAT1 protein function. ClinVar contains an entry for this variant (Variation ID: 1374446). This variant is present in population databases (rs201020918, gnomAD 0.004%). This sequence change replaces glutamic acid, which is acidic and polar, with aspartic acid, which is acidic and polar, at codon 71 of the NMNAT1 protein (p.Glu71Asp).

Blueprint Genetics
Classification: Uncertain significance. Last evaluated: 2020-09-29. Review status: criteria provided, single submitter. Criteria: ACMG Guidelines, 2015. Collection method: clinical testing. Allele origin: germline.